The following is an entry in ClinVar:

ClinVar aggregate classification (germline): Uncertain significance. Review status: criteria provided, multiple submitters, no conflicts (2 of 4 stars). 2 submissions from 2 submitters: Uncertain significance (2). Last evaluated 2024-01-23.

Conditions:
Propionic acidemia (PROP). Also called: GLYCINEMIA, KETOTIC; HYPERGLYCINEMIA WITH KETOACIDOSIS AND LEUKOPENIA; KETOTIC HYPERGLYCINEMIA. Identifiers: Orphanet 35, MedGen C0268579, MONDO:0011628, OMIM 606054, HP:0003571.

Submissions (2):

Women's Health and Genetics/Laboratory Corporation of America, LabCorp
Classification: Uncertain significance. Last evaluated: 2024-01-23. Review status: criteria provided, single submitter. Criteria: LabCorp Variant Classification Summary - May 2015. Collection method: clinical testing. Allele origin: germline.
Comment: Variant summary: PCCA c.1209+6dupA alters a conserved nucleotide located close to a canonical splice site and therefore could affect mRNA splicing, leading to a significantly altered protein sequence. Consensus agreement among computation tools predict no significant impact on normal splicing. However, these predictions have yet to be confirmed by functional studies. The variant allele was found at a frequency of 8e-06 in 251406 control chromosomes (gnomAD). The available data on variant occurrences in the general population are insufficient to allow any conclusion about variant significance. To our knowledge, no occurrence of c.1209+6dupA in individuals affected with Propionic Acidemia and no experimental evidence demonstrating its impact on protein function have been reported. ClinVar contains an entry for this variant (Variation ID: 1463458). Based on the evidence outlined above, the variant was classified as uncertain significance.

Labcorp Genetics (formerly Invitae), Labcorp
Classification: Uncertain significance for Propionic acidemia. Last evaluated: 2022-07-21. Review status: criteria provided, single submitter. Criteria: Invitae Variant Classification Sherloc (09022015). Collection method: clinical testing. Allele origin: germline.
Comment: This sequence change falls in intron 13 of the PCCA gene. It does not directly change the encoded amino acid sequence of the PCCA protein. It affects a nucleotide within the consensus splice site. This variant is present in population databases (rs746645726, gnomAD 0.008%). This variant has not been reported in the literature in individuals affected with PCCA-related conditions. ClinVar contains an entry for this variant (Variation ID: 1463458). Variants that disrupt the consensus splice site are a relatively common cause of aberrant splicing (PMID: 17576681, 9536098). Algorithms developed to predict the effect of sequence changes on RNA splicing suggest that this variant is not likely to affect RNA splicing. In summary, the available evidence is currently insufficient to determine the role of this variant in disease. Therefore, it has been classified as a Variant of Uncertain Significance.

Literature cited by the submitters: PubMed 17576681 (cited by Labcorp Genetics (formerly Invitae), Labcorp); PubMed 9536098 (cited by Labcorp Genetics (formerly Invitae), Labcorp).

NM_000282.4(PCCA):c.1209+6dup

Gene: PCCA (propionyl-CoA carboxylase subunit alpha; plus strand). Cytogenetic location: 13q32.3.
Variant type: Duplication.
Coding change: c.1209+6dup on transcript NM_000282.4 (MANE Select); 6 bases into the intron after coding-DNA position 1209, one base duplicated (A; older notation c.1209+6dupA).
Molecular consequence: intron variant.
Genome position (GRCh38, 1-based): chr13:100,301,609, A duplicated; the last of 4 consecutive A bases (chr13:100,301,606-100,301,609); duplicating any one gives the same sequence. VCF-style (leftmost placement, unchanged base first): chr13-100301605-T-TA. GRCh37 (hg19) VCF-style: chr13-100953859-T-TA.
Other names: c.1209+6dupA (NM_000282.4); c.1209+6dup (NM_001178004.2, NM_001352605.2, NM_001352609.2); c.1066-1315dup (NM_001352606.2); c.264+6dup (NM_001352610.2, NM_001352611.2); c.121-1315dup (NM_001352612.2); c.1131+6dup (NM_001127692.3, NM_001352607.2); c.988-1315dup (NM_001352608.2).
Identifiers: ClinVar variation 1463458 (VCV001463458.4), dbSNP rs746645726, ClinGen allele CA7033531.
Genomic context (GRCh38, chr13:100,301,605, plus strand): 5'-ACAAACAAGCTGATATTCGCATCAACGGCTGGGCAGTTGAATGTCGGGTTTATGCTGAGG[T>TA]AAAATGAATGGTGTTGGGAGGAAGGATGGTGGTTATGTCCAGAGTCATGAGACCTGGTAT-3'